The following is an entry in ClinVar:

ClinVar aggregate classification (germline): Pathogenic/Likely pathogenic. Review status: criteria provided, multiple submitters, no conflicts (2 of 4 stars). 4 submissions from 4 submitters: Pathogenic (2); Likely pathogenic (1). 1 of the submissions does not count toward it. Last evaluated 2024-03-29.

Conditions:
Joubert syndrome. Also called: Familial aplasia of the vermis; CEREBELLOPARENCHYMAL DISORDER IV; JOUBERT-BOLTSHAUSER SYNDROME. Identifiers: Orphanet 475, MedGen C5979921, MONDO:0018772.
Meckel-Gruber syndrome. Also called: Dysencephalia splachnocystica; DYSENCEPHALIA SPLANCHNOCYSTICA; GRUBER SYNDROME. Identifiers: Orphanet 564, MedGen C0265215, MONDO:0018921.
Nephronophthisis. Also called: Juvenile Nephronophthisis. Identifiers: Orphanet 655, MedGen C0687120, MONDO:0019005, HP:0000090.
Leber congenital amaurosis 10 (LCA10). Identifiers: Orphanet 65, MedGen C1857821, MONDO:0012723, OMIM 611755.
Joubert syndrome 5 (JBTS5). Identifiers: Orphanet 2318, MedGen C1857780, MONDO:0012432, OMIM 610188.

gnomAD v4.1: 1 of 1,583,792 alleles (0.000063%); no homozygotes.

Submissions (4):

Genomic Medicine Center of Excellence, King Faisal Specialist Hospital and Research Centre
Classification: Pathogenic for Leber congenital amaurosis 10. Last evaluated: 2024-03-29. Review status: criteria provided, single submitter. Criteria: ACMG Guidelines, 2015. Collection method: clinical testing. Allele origin: germline.

Revvity Omics, Revvity
Classification: Likely pathogenic. Last evaluated: 2022-10-28. Review status: criteria provided, single submitter. Criteria: ACMG Guidelines, 2015. Collection method: clinical testing. Allele origin: germline.

Labcorp Genetics (formerly Invitae), Labcorp
Classification: Pathogenic for Joubert syndrome; Meckel-Gruber syndrome; Nephronophthisis. Last evaluated: 2022-08-10. Review status: criteria provided, single submitter. Criteria: Invitae Variant Classification Sherloc (09022015). Collection method: clinical testing. Allele origin: germline.
Comment: For these reasons, this variant has been classified as Pathogenic. ClinVar contains an entry for this variant (Variation ID: 993032). This premature translational stop signal has been observed in individual(s) with clinical features of Joubert syndrome (PMID: 22693042, 29620724). This variant is not present in population databases (gnomAD no frequency). This sequence change creates a premature translational stop signal (p.Glu1572*) in the CEP290 gene. It is expected to result in an absent or disrupted protein product. Loss-of-function variants in CEP290 are known to be pathogenic (PMID: 16909394, 17345604, 20690115).

Biochemical Molecular Genetic Laboratory, King Abdulaziz Medical City
Classification: Pathogenic for Joubert syndrome 5. Last evaluated: 2020-10-11. Review status: no assertion criteria provided. Collection method: clinical testing. Allele origin: germline. Affected: yes. Not counted in ClinVar's aggregate classification.

Literature cited by the submitters: PubMed 22693042 (cited by Labcorp Genetics (formerly Invitae), Labcorp); PubMed 29620724 (cited by Labcorp Genetics (formerly Invitae), Labcorp); PubMed 16909394 (cited by Labcorp Genetics (formerly Invitae), Labcorp); PubMed 17345604 (cited by Labcorp Genetics (formerly Invitae), Labcorp); PubMed 20690115 (cited by Labcorp Genetics (formerly Invitae), Labcorp).

NM_025114.4(CEP290):c.4714G>T (p.Glu1572Ter)

Gene: CEP290 (centrosomal protein 290; minus strand). Cytogenetic location: 12q21.32.
Variant type: single nucleotide variant.
Coding change: c.4714G>T on transcript NM_025114.4 (MANE Select); coding-DNA position 4714, G replaced by T.
Protein change: p.Glu1572Ter; replaces glutamic acid 1572 with a stop codon.
Molecular consequence: nonsense.
Genome position (GRCh38, 1-based): chr12:88,083,945, C>A on the plus strand (G>T on the coding strand, the complement: CEP290 is on the minus strand). VCF-style: chr12-88083945-C-A. GRCh37 (hg19) VCF-style: chr12-88477722-C-A.
Other names: short protein forms E1572*.
Identifiers: ClinVar variation 993032 (VCV000993032.10), dbSNP rs1292516576, ClinGen allele CA385994080.